The following is an entry in ClinVar:

ClinVar aggregate classification (germline): Benign/Likely benign. Review status: criteria provided, multiple submitters, no conflicts (2 of 4 stars). 6 submissions from 6 submitters: Benign (2); Likely benign (3). 1 of the submissions does not count toward it. Last evaluated 2025-11-01.

Conditions:
FMN2-related disorder. Also called: FMN2-related condition.

Allele frequency attached by ClinVar (database versions not stated): gnomAD exomes 0.00027; 1000 Genomes Project 30x 0.00172; 1000 Genomes Project 0.00200; ESP Exome Variant Server 0.00262; gnomAD 0.00273 and 0.00297; TOPMed 0.00309.
gnomAD v4.1: 828 of 1,613,318 alleles (0.051%); highest among the groups gnomAD compares: African/African-American, 0.98%; 4 homozygotes.

Submissions (6):

CeGaT Center for Human Genetics Tuebingen
Classification: Benign. Last evaluated: 2025-11-01. Review status: criteria provided, single submitter. Criteria: CeGaT Center For Human Genetics Tuebingen Variant Classification Criteria Version 2. Collection method: clinical testing. Allele origin: germline. Affected: yes. Observed: 1 variant allele.
Comment: FMN2: BS1, BS2

Labcorp Genetics (formerly Invitae), Labcorp
Classification: Likely benign. Last evaluated: 2019-12-31. Review status: criteria provided, single submitter. Criteria: Invitae Variant Classification Sherloc (09022015). Collection method: clinical testing. Allele origin: germline.

Genetic Services Laboratory, University of Chicago
Classification: Likely benign. Last evaluated: 2017-03-31. Review status: criteria provided, single submitter. Criteria: ACMG Guidelines, 2015. Collection method: clinical testing. Allele origin: germline. Affected: no.

Eurofins Ntd Llc (ga)
Classification: Benign. Last evaluated: 2017-02-06. Review status: criteria provided, single submitter. Criteria: EGL Classification Definitions 2015. Collection method: clinical testing. Allele origin: germline. Observed: 1 variant allele, 1 heterozygote.

Breakthrough Genomics
Classification: Likely benign. Review status: criteria provided, single submitter. Criteria: ACMG Guidelines, 2015. Collection method: not provided. Allele origin: germline. Inheritance: Autosomal recessive inheritance. Affected: yes.

PreventionGenetics, part of Exact Sciences
Classification: Benign for FMN2-related condition. Last evaluated: 2020-07-20. Review status: no assertion criteria provided. Collection method: clinical testing. Allele origin: germline. Not counted in ClinVar's aggregate classification.
Comment: This variant is classified as benign based on ACMG/AMP sequence variant interpretation guidelines (Richards et al. 2015 PMID: 25741868, with internal and published modifications).

NM_020066.5(FMN2):c.1352T>A (p.Leu451Gln)

Gene: FMN2 (formin 2; plus strand). Cytogenetic location: 1q43.
Variant type: single nucleotide variant.
Coding change: c.1352T>A on transcript NM_020066.5 (MANE Select); coding-DNA position 1352, T replaced by A.
Protein change: p.Leu451Gln; replaces leucine 451 with glutamine.
Molecular consequence: missense variant.
Genome position (GRCh38, 1-based): chr1:240,093,461, T>A. VCF-style: chr1-240093461-T-A. GRCh37 (hg19) VCF-style: chr1-240256761-T-A.
Other names: c.1352T>A, p.Leu451Gln (NM_001305424.2, NM_001348094.2); short protein forms L451Q.
Identifiers: ClinVar variation 435220 (VCV000435220.23), dbSNP rs145379416, ClinGen allele CA1476304.